The following is an entry in ClinVar:

NM_000222.3(KIT):c.886T>C (p.Phe296Leu)

Gene: KIT (KIT proto-oncogene, receptor tyrosine kinase; plus strand). Cytogenetic location: 4q12.
Variant type: single nucleotide variant.
Coding change: c.886T>C on transcript NM_000222.3 (MANE Select); coding-DNA position 886, T replaced by C.
Protein change: p.Phe296Leu; replaces phenylalanine 296 with leucine.
Molecular consequence: missense variant.
Genome position (GRCh38, 1-based): chr4:54,703,853, T>C. VCF-style: chr4-54703853-T-C. GRCh37 (hg19) VCF-style: chr4-55570019-T-C.
Other names: c.886T>C, p.Phe296Leu (NM_001093772.2, NM_001385285.1, NM_001385286.1); c.889T>C, p.Phe297Leu (NM_001385284.1, NM_001385288.1, NM_001385290.1 and 1 more transcripts); short protein forms F296L, F297L.
Identifiers: ClinVar variation 1764947 (VCV001764947.2), dbSNP rs2475469653, ClinGen allele CA356900063.
Genomic context (GRCh38, chr4:54,703,853, plus strand): 5'-ACTATCAGTTCAGCGAGAGTTAATGATTCTGGAGTGTTCATGTGTTATGCCAATAATACT[T>C]TTGGATCAGCAAATGTCACAACAACCTTGGAAGTAGTAGGTAAATACCTCTATGGGAATG-3'
Protein context (NP_000213.1, residues 286-306): GVFMCYANNT[Phe296Leu]GSANVTTTLE

ClinVar aggregate classification (germline): Uncertain significance (1 of 4 stars; one submission).

Conditions:
Hereditary cancer-predisposing syndrome. Also called: Neoplastic Syndromes, Hereditary; Tumor predisposition; Hereditary Cancer Syndrome; Hereditary neoplastic syndrome. Identifiers: Orphanet 140162, MedGen C0027672, MeSH D009386, MONDO:0015356.

Submission:

Ambry Genetics
Classification: Uncertain significance for Hereditary cancer-predisposing syndrome. Last evaluated: 2022-07-19. Review status: criteria provided, single submitter. Criteria: Ambry Variant Classification Scheme 2023. Collection method: clinical testing. Allele origin: germline.
Comment: The p.F296L variant (also known as c.886T>C), located in coding exon 5 of the KIT gene, results from a T to C substitution at nucleotide position 886. The phenylalanine at codon 296 is replaced by leucine, an amino acid with highly similar properties. This amino acid position is conserved. In addition, the in silico prediction for this alteration is inconclusive. Since supporting evidence is limited at this time, the clinical significance of this alteration remains unclear.